The following is an entry in ClinVar:

NM_006929.5(SKIC2):c.2266C>T (p.Arg756Ter)

Gene: SKIC2 (SKI2 subunit of superkiller complex; plus strand). Cytogenetic location: 6p21.33.
Variant type: single nucleotide variant.
Coding change: c.2266C>T on transcript NM_006929.5 (MANE Select); coding-DNA position 2266, C replaced by T.
Protein change: p.Arg756Ter; replaces arginine 756 with a stop codon.
Molecular consequence: nonsense.
Genome position (GRCh38, 1-based): chr6:31,966,772, C>T. VCF-style: chr6-31966772-C-T. GRCh37 (hg19) VCF-style: chr6-31934549-C-T.
Other names: short protein forms R756*.
Identifiers: ClinVar variation 2136372 (VCV002136372.4), dbSNP rs372977009, ClinGen allele CA3729726.

ClinVar aggregate classification (germline): Pathogenic (1 of 4 stars; one submission).

Allele frequency attached by ClinVar (database versions not stated): ExAC 0.00002; gnomAD 0.00002; TOPMed 0.00002; ESP Exome Variant Server 0.00008.
gnomAD v4.1: 30 of 1,613,972 alleles (0.0019%); highest among the groups gnomAD compares: Non-Finnish European, 0.0025%; no homozygotes.

Submission:

Labcorp Genetics (formerly Invitae), Labcorp
Classification: Pathogenic. Last evaluated: 2023-04-08. Review status: criteria provided, single submitter. Criteria: Invitae Variant Classification Sherloc (09022015). Collection method: clinical testing. Allele origin: germline.
Comment: For these reasons, this variant has been classified as Pathogenic. ClinVar contains an entry for this variant (Variation ID: 2136372). This premature translational stop signal has been observed in individual(s) with clinical features of SKIV2L-related conditions (PMID: 22444670). This variant is present in population databases (rs372977009, gnomAD 0.003%). This sequence change creates a premature translational stop signal (p.Arg756*) in the SKIV2L gene. It is expected to result in an absent or disrupted protein product. Loss-of-function variants in SKIV2L are known to be pathogenic (PMID: 22444670).

Literature cited by the submitters: PubMed 22444670.